The following is an entry in ClinVar:

NM_177438.3(DICER1):c.4987A>T (p.Ile1663Leu)

Gene: DICER1 (dicer 1, ribonuclease III; minus strand). Cytogenetic location: 14q32.13.
Variant type: single nucleotide variant.
Coding change: c.4987A>T on transcript NM_177438.3 (MANE Select); coding-DNA position 4987, A replaced by T.
Protein change: p.Ile1663Leu; replaces isoleucine 1663 with leucine.
Molecular consequence: missense variant.
Genome position (GRCh38, 1-based): chr14:95,095,933, T>A on the plus strand (A>T on the coding strand, the complement: DICER1 is on the minus strand). VCF-style: chr14-95095933-T-A. GRCh37 (hg19) VCF-style: chr14-95562270-T-A.
Other names: c.4987A>T, p.Ile1663Leu (NM_001195573.1, NM_001271282.3, NM_001291628.2 and 1 more transcripts); short protein forms I1663L.
Identifiers: ClinVar variation 825344 (VCV000825344.4), dbSNP rs1555367530, ClinGen allele CA390866160.

ClinVar aggregate classification (germline): Uncertain significance (1 of 4 stars; one submission).

Conditions:
Hereditary cancer-predisposing syndrome. Also called: Neoplastic Syndromes, Hereditary; Tumor predisposition; Hereditary neoplastic syndrome; Hereditary Cancer Syndrome. Identifiers: Orphanet 140162, MedGen C0027672, MeSH D009386, MONDO:0015356.

Submission:

Ambry Genetics
Classification: Uncertain significance for Hereditary cancer-predisposing syndrome. Last evaluated: 2018-10-30. Review status: criteria provided, single submitter. Criteria: Ambry Variant Classification Scheme 2023. Collection method: clinical testing. Allele origin: germline.
Comment: The p.I1663L variant (also known as c.4987A>T), located in coding exon 22 of the DICER1 gene, results from an A to T substitution at nucleotide position 4987. The isoleucine at codon 1663 is replaced by leucine, an amino acid with highly similar properties. This amino acid position is highly conserved in available vertebrate species. In addition, the in silico prediction for this alteration is inconclusive. Since supporting evidence is limited at this time, the clinical significance of this alteration remains unclear.